The following is an entry in ClinVar:

ClinVar aggregate classification (germline): Pathogenic (1 of 4 stars; one submission).

Conditions:
Neuronal ceroid lipofuscinosis. Also called: Neuronal Ceroid Lipofuscinoses. Identifiers: Orphanet 216, Orphanet 79263, MedGen C0027877, MONDO:0016295. Disease mechanism: loss of function.

Submission:

Labcorp Genetics (formerly Invitae), Labcorp
Classification: Pathogenic for Neuronal ceroid lipofuscinosis. Last evaluated: 2022-01-14. Review status: criteria provided, single submitter. Criteria: Invitae Variant Classification Sherloc (09022015). Collection method: clinical testing. Allele origin: germline.
Comment: This sequence change creates a premature translational stop signal (p.Leu97Phefs*20) in the CLN6 gene. It is expected to result in an absent or disrupted protein product. Loss-of-function variants in CLN6 are known to be pathogenic (PMID: 19135028). This variant is not present in population databases (gnomAD no frequency). This variant has not been reported in the literature in individuals affected with CLN6-related conditions. For these reasons, this variant has been classified as Pathogenic.

Literature cited by the submitters: PubMed 19135028.

NM_017882.3(CLN6):c.289_290dup (p.Leu97fs)

Gene: CLN6 (CLN6 transmembrane ER protein; minus strand). Cytogenetic location: 15q23.
Variant type: Duplication.
Coding change: c.289_290dup on transcript NM_017882.3 (MANE Select); coding-DNA positions 289 to 290, 2 bases duplicated (TT; older notation c.289_290dupTT).
Protein change: p.Leu97fs; shifts the reading frame from leucine 97.
Molecular consequence: frameshift variant.
Genome position (GRCh38, 1-based): chr15:68,214,297-68,214,298, AA duplicated on the plus strand (TT on the coding strand, the reverse complement: CLN6 is on the minus strand). VCF-style (leftmost placement, unchanged base first): chr15-68214296-C-CAA. GRCh37 (hg19) VCF-style: chr15-68506634-C-CAA.
Other names: short protein forms L97fs.
Identifiers: ClinVar variation 1456018 (VCV001456018.6), dbSNP rs2141141420, ClinGen allele CA2573151121.
Genomic context (GRCh38, chr15:68,214,296, plus strand): 5'-CAGGTGTGCAAAGAATGGGGATGACAGGAGAGAGTGGGGGCCCTGGGACAGTACCTTGAG[C>CAA]AAGAGAAAGGGCGTGATGACGTTGTAGGCCATGTGGAAGTAGTCCCCAACACTGGGCTTG-3'